The following is an entry in ClinVar:

ClinVar aggregate classification (germline): Benign. Review status: criteria provided, single submitter (1 of 4 stars). 2 submissions from 1 submitter: Benign (2). Last evaluated 2018-01-13.

Conditions:
Hypophosphatemic rickets, autosomal recessive, 2 (ARHR2). Identifiers: Orphanet 289176, MedGen C2750078, MONDO:0013219, OMIM 613312.
Arterial calcification, generalized, of infancy, 1 (GACI1). Also called: Idiopathic Infantile Arterial Calcification. Identifiers: Orphanet 51608, MedGen C4551985, MONDO:0008817, OMIM 208000.

Allele frequency attached by ClinVar (database versions not stated): gnomAD exomes 0.02305; gnomAD 0.11737 and 0.12391; 1000 Genomes Project 0.11741; 1000 Genomes Project 30x 0.12242; TOPMed 0.13078.

Submissions (2):

Illumina Laboratory Services, Illumina
Classification: Benign for Arterial calcification, generalized, of infancy, 1. Last evaluated: 2018-01-13. Review status: criteria provided, single submitter. Criteria: ICSL Variant Classification Criteria 13 December 2019. Collection method: clinical testing. Allele origin: germline.
Comment: This variant was observed in the ICSL laboratory as part of a predisposition screen in an ostensibly healthy population. It had not been previously curated by ICSL or reported in the Human Gene Mutation Database (HGMD: prior to June 1st, 2018), and was therefore a candidate for classification through an automated scoring system. Utilizing variant allele frequency, disease prevalence and penetrance estimates, and inheritance mode, an automated score was calculated to assess if this variant is too frequent to cause the disease. Based on the score and internal cut-off values, a variant classified as benign is not then subjected to further curation. The score for this variant resulted in a classification of benign for this disease.

Illumina Laboratory Services, Illumina
Classification: Benign for Hypophosphatemic rickets, autosomal recessive, 2. Last evaluated: 2018-01-13. Review status: criteria provided, single submitter. Criteria: ICSL Variant Classification Criteria 13 December 2019. Collection method: clinical testing. Allele origin: germline.
Comment: the same text as in the submission from Illumina Laboratory Services, Illumina above.

NM_006208.3(ENPP1):c.*563G>A

Gene: ENPP1 (ectonucleotide pyrophosphatase/phosphodiesterase 1; plus strand). Cytogenetic location: 6q23.2.
Variant type: single nucleotide variant.
Coding change: c.*563G>A on transcript NM_006208.3 (MANE Select); 563 bases downstream of the stop codon, G replaced by A.
Molecular consequence: 3 prime UTR variant.
Genome position (GRCh38, 1-based): chr6:131,891,074, G>A. VCF-style: chr6-131891074-G-A. GRCh37 (hg19) VCF-style: chr6-132212214-G-A.
Identifiers: ClinVar variation 355366 (VCV000355366.5), dbSNP rs1044586, ClinGen allele CA10625773.
Genomic context (GRCh38, chr6:131,891,074, plus strand): 5'-AAGCCAAAATACTTCTGAGACCTTGTTTCAATCTTTGCTGTATATCCCCTCAAAATCCAA[G>A]TTATTAATCTTATGTGTTTTCTTTTTAATTTTTTGATTGGATTTCTTTAGATTTAATGGT-3'